The following is an entry in ClinVar:

NM_003737.4(DCHS1):c.2063G>A (p.Arg688Gln)

Gene: DCHS1 (dachsous cadherin-related 1; minus strand). Cytogenetic location: 11p15.4.
Variant type: single nucleotide variant.
Coding change: c.2063G>A on transcript NM_003737.4 (MANE Select); coding-DNA position 2063, G replaced by A.
Protein change: p.Arg688Gln; replaces arginine 688 with glutamine.
Molecular consequence: missense variant.
Genome position (GRCh38, 1-based): chr11:6,633,944, C>T on the plus strand (G>A on the coding strand, the complement: DCHS1 is on the minus strand). VCF-style: chr11-6633944-C-T. GRCh37 (hg19) VCF-style: chr11-6655175-C-T.
Other names: short protein forms R688Q.
Identifiers: ClinVar variation 2812032 (VCV002812032.3), dbSNP rs1337002382, ClinGen allele CA379424225.

ClinVar aggregate classification (germline): Uncertain significance (1 of 4 stars; one submission).

Allele frequency attached by ClinVar (database versions not stated): gnomAD exomes below 0.00001.

Submission:

Labcorp Genetics (formerly Invitae), Labcorp
Classification: Uncertain significance. Last evaluated: 2023-07-26. Review status: criteria provided, single submitter. Criteria: Invitae Variant Classification Sherloc (09022015). Collection method: clinical testing. Allele origin: germline.
Comment: In summary, the available evidence is currently insufficient to determine the role of this variant in disease. Therefore, it has been classified as a Variant of Uncertain Significance. Algorithms developed to predict the effect of sequence changes on RNA splicing suggest that this variant may create or strengthen a splice site. Advanced modeling of protein sequence and biophysical properties (such as structural, functional, and spatial information, amino acid conservation, physicochemical variation, residue mobility, and thermodynamic stability) performed at Invitae indicates that this missense variant is not expected to disrupt DCHS1 protein function. This variant has not been reported in the literature in individuals affected with DCHS1-related conditions. This variant is present in population databases (no rsID available, gnomAD 0.0009%). This sequence change replaces arginine, which is basic and polar, with glutamine, which is neutral and polar, at codon 688 of the DCHS1 protein (p.Arg688Gln).